The following is an entry in ClinVar:

NM_000038.6(APC):c.5485A>G (p.Asn1829Asp)

Gene: APC (APC regulator of Wnt signaling pathway; plus strand). Cytogenetic location: 5q22.2.
Variant type: single nucleotide variant.
Coding change: c.5485A>G on transcript NM_000038.6 (MANE Select); coding-DNA position 5485, A replaced by G.
Protein change: p.Asn1829Asp; replaces asparagine 1829 with aspartic acid.
Molecular consequence: missense variant.
Genome position (GRCh38, 1-based): chr5:112,841,079, A>G. VCF-style: chr5-112841079-A-G. GRCh37 (hg19) VCF-style: chr5-112176776-A-G.
Other names: c.5485A>G, p.Asn1829Asp (NM_001127510.3, NM_001354895.2); c.5431A>G, p.Asn1811Asp (NM_001127511.3); c.5539A>G, p.Asn1847Asp (NM_001354896.2); c.5515A>G, p.Asn1839Asp (NM_001354897.2); c.5410A>G, p.Asn1804Asp (NM_001354898.2); c.5401A>G, p.Asn1801Asp (NM_001354899.2); c.5362A>G, p.Asn1788Asp (NM_001354900.2); c.5308A>G, p.Asn1770Asp (NM_001354901.2); and 5 more; short protein forms N1788D, N1829D, N1801D, N1804D, N1546D, N1728D, N1738D, N1770D.
Identifiers: ClinVar variation 861411 (VCV000861411.14), dbSNP rs761812531, ClinGen allele CA042081.

ClinVar aggregate classification (germline): Uncertain significance. Review status: criteria provided, multiple submitters, no conflicts (2 of 4 stars). 4 submissions from 4 submitters: Uncertain significance (4). Last evaluated 2025-11-25.

Conditions:
Hereditary cancer-predisposing syndrome. Also called: Tumor predisposition; Hereditary neoplastic syndrome; Neoplastic Syndromes, Hereditary; Hereditary Cancer Syndrome. Identifiers: Orphanet 140162, MedGen C0027672, MeSH D009386, MONDO:0015356.
Familial adenomatous polyposis 1 (FAP1). Also called: POLYPOSIS, ADENOMATOUS INTESTINAL; FAMILIAL ADENOMATOUS POLYPOSIS 1, ATTENUATED. Identifiers: MedGen C2713442, MONDO:0021056, OMIM 175100. Disease mechanism: loss of function.

Allele frequency attached by ClinVar (database versions not stated): gnomAD exomes below 0.00001; ExAC 0.00001; TOPMed 0.00001.
gnomAD v4.1: 2 of 1,613,024 alleles (0.00012%); highest among the groups gnomAD compares: Admixed American, 0.0017%; no homozygotes.

Submissions (4):

Labcorp Genetics (formerly Invitae), Labcorp
Classification: Uncertain significance for Familial adenomatous polyposis 1. Last evaluated: 2025-11-25. Review status: criteria provided, single submitter. Criteria: Invitae Variant Classification Sherloc (09022015). Collection method: clinical testing. Allele origin: germline.
Comment: This sequence change replaces asparagine, which is neutral and polar, with aspartic acid, which is acidic and polar, at codon 1829 of the APC protein (p.Asn1829Asp). This variant is present in population databases (rs761812531, gnomAD 0.003%). This variant has not been reported in the literature in individuals affected with APC-related conditions. ClinVar contains an entry for this variant (Variation ID: 861411). Invitae Evidence Modeling of protein sequence and biophysical properties (such as structural, functional, and spatial information, amino acid conservation, physicochemical variation, residue mobility, and thermodynamic stability) indicates that this missense variant is not expected to disrupt APC protein function with a negative predictive value of 95%. In summary, the available evidence is currently insufficient to determine the role of this variant in disease. Therefore, it has been classified as a Variant of Uncertain Significance.

Ambry Genetics
Classification: Uncertain significance for Hereditary cancer-predisposing syndrome. Last evaluated: 2025-01-23. Review status: criteria provided, single submitter. Criteria: Ambry Variant Classification Scheme 2023. Collection method: clinical testing. Allele origin: germline.
Comment: The p.N1829D variant (also known as c.5485A>G), located in coding exon 15 of the APC gene, results from an A to G substitution at nucleotide position 5485. The asparagine at codon 1829 is replaced by aspartic acid, an amino acid with highly similar properties. This amino acid position is well conserved in available vertebrate species. In addition, in silico predictors for this gene do not accurately predict pathogenicity. Missense alterations in APC are not a common cause of disease (Spier I et al. Genet Med. 2024 Feb;26(2):100992). Based on the available evidence, the clinical significance of this variant remains unclear.

Baylor Genetics
Classification: Uncertain significance for Familial adenomatous polyposis 1. Last evaluated: 2023-05-19. Review status: criteria provided, single submitter. Criteria: ACMG Guidelines, 2015. Collection method: clinical testing. Allele origin: unknown.

GeneDx
Classification: Uncertain significance. Last evaluated: 2020-01-03. Review status: criteria provided, single submitter. Criteria: GeneDx Variant Classification Process June 2021. Collection method: clinical testing. Allele origin: germline. Affected: yes.
Comment: Not observed at a significant frequency in large population cohorts (Lek 2016); In silico analysis, which includes protein predictors and evolutionary conservation, supports that this variant does not alter protein structure/function; Has not been previously published as pathogenic or benign to our knowledge